The following is an entry in ClinVar:

ClinVar aggregate classification (germline): Pathogenic (1 of 4 stars; one submission).

Conditions:
Sulfite oxidase deficiency due to molybdenum cofactor deficiency type C. Also called: Molybdenum cofactor deficiency C; Molybdenum cofactor deficiency, complementation group C. Identifiers: Orphanet 308400, Orphanet 833, MedGen C1854990, MONDO:0014212, OMIM 615501.

Submission:

Labcorp Genetics (formerly Invitae), Labcorp
Classification: Pathogenic for Sulfite oxidase deficiency due to molybdenum cofactor deficiency type C. Last evaluated: 2022-04-15. Review status: criteria provided, single submitter. Criteria: Invitae Variant Classification Sherloc (09022015). Collection method: clinical testing. Allele origin: germline.
Comment: For these reasons, this variant has been classified as Pathogenic. This variant is a gross deletion of the genomic region encompassing exon(s) 6-9 of the GPHN gene. This deletion is out-of-frame, and is expected to create a premature termination codon and result in an absent or disrupted protein product. Loss-of-function variants in GPHN are known to be pathogenic (PMID: 11095995, 23184456, 23393157). This variant has not been reported in the literature in individuals affected with GPHN-related conditions.

Literature cited by the submitters: PubMed 11095995; PubMed 23184456; PubMed 23393157.

NC_000014.8:g.(?_67382700)_(67432062_?)del

Gene: GPHN (gephyrin; plus strand). Cytogenetic location: 14q23.3.
Variant type: Deletion.
Identifiers: ClinVar variation 1459465 (VCV001459465.7).